The following is an entry in ClinVar:

ClinVar aggregate classification (germline): Uncertain significance (1 of 4 stars; one submission).

Submission:

Ambry Genetics
Classification: Uncertain significance. Last evaluated: 2026-05-21. Review status: criteria provided, single submitter. Criteria: Ambry Variant Classification Scheme 2023. Collection method: clinical testing. Allele origin: germline.
Comment: The p.T1414N variant (also known as c.4241C>A), located in coding exon 34 of the A2ML1 gene, results from a C to A substitution at nucleotide position 4241. The threonine at codon 1414 is replaced by asparagine, an amino acid with similar properties. This amino acid position is conserved. In addition, this alteration is predicted to be tolerated by in silico analysis. Based on the available evidence, the clinical significance of this variant remains unclear.

NM_144670.6(A2ML1):c.4241C>A (p.Thr1414Asn)

Gene: A2ML1 (alpha-2-macroglobulin like 1; plus strand). Cytogenetic location: 12p13.31.
Variant type: single nucleotide variant.
Coding change: c.4241C>A on transcript NM_144670.6 (MANE Select); coding-DNA position 4241, C replaced by A.
Protein change: p.Thr1414Asn; replaces threonine 1414 with asparagine.
Molecular consequence: missense variant.
Genome position (GRCh38, 1-based): chr12:8,874,444, C>A. VCF-style: chr12-8874444-C-A. GRCh37 (hg19) VCF-style: chr12-9027040-C-A.
Other names: c.2768C>A, p.Thr923Asn (NM_001282424.3); short protein forms T1414N, T923N.
Identifiers: ClinVar variation 4860858 (VCV004860858.1).